The following is an entry in ClinVar:

NM_033118.4(MYLK2):c.671C>T (p.Thr224Ile)

Gene: MYLK2 (myosin light chain kinase 2; plus strand). Cytogenetic location: 20q11.21.
Variant type: single nucleotide variant.
Coding change: c.671C>T on transcript NM_033118.4 (MANE Select); coding-DNA position 671, C replaced by T.
Protein change: p.Thr224Ile; replaces threonine 224 with isoleucine.
Molecular consequence: missense variant.
Genome position (GRCh38, 1-based): chr20:31,821,636, C>T. VCF-style: chr20-31821636-C-T. GRCh37 (hg19) VCF-style: chr20-30409439-C-T.
Other names: short protein forms T224I.
Identifiers: ClinVar variation 2322710 (VCV002322710.4), dbSNP rs756013032, ClinGen allele CA408526116.

ClinVar aggregate classification (germline): Uncertain significance. Review status: criteria provided, multiple submitters, no conflicts (2 of 4 stars). 2 submissions from 2 submitters: Uncertain significance (2). Last evaluated 2024-09-04.

Conditions:
Hypertrophic cardiomyopathy 1 (CMH1). Also called: Familial hypertrophic cardiomyopathy 1; MYH7-Related Familial Hypertrophic Cardiomyopathy. Identifiers: MedGen C3495498, MONDO:0008647, OMIM 192600.

gnomAD v4.1: 12 of 1,614,024 alleles (0.00074%); highest among the groups gnomAD compares: African/African-American, 0.0013%; no homozygotes.

Submissions (2):

Labcorp Genetics (formerly Invitae), Labcorp
Classification: Uncertain significance for Hypertrophic cardiomyopathy 1. Last evaluated: 2024-09-04. Review status: criteria provided, single submitter. Criteria: Invitae Variant Classification Sherloc (09022015). Collection method: clinical testing. Allele origin: germline.
Comment: This sequence change replaces threonine, which is neutral and polar, with isoleucine, which is neutral and non-polar, at codon 224 of the MYLK2 protein (p.Thr224Ile). This variant is present in population databases (no rsID available, gnomAD 0.007%). This variant has not been reported in the literature in individuals affected with MYLK2-related conditions. ClinVar contains an entry for this variant (Variation ID: 2322710). Invitae Evidence Modeling of protein sequence and biophysical properties (such as structural, functional, and spatial information, amino acid conservation, physicochemical variation, residue mobility, and thermodynamic stability) indicates that this missense variant is not expected to disrupt MYLK2 protein function with a negative predictive value of 80%. In summary, the available evidence is currently insufficient to determine the role of this variant in disease. Therefore, it has been classified as a Variant of Uncertain Significance.

Ambry Genetics
Classification: Uncertain significance. Last evaluated: 2023-04-22. Review status: criteria provided, single submitter. Criteria: Ambry Variant Classification Scheme 2023. Collection method: clinical testing. Allele origin: germline.
Comment: The p.T224I variant (also known as c.671C>T), located in coding exon 3 of the MYLK2 gene, results from a C to T substitution at nucleotide position 671. The threonine at codon 224 is replaced by isoleucine, an amino acid with similar properties. This amino acid position is conserved. In addition, this alteration is predicted to be tolerated by in silico analysis. Since supporting evidence is limited at this time, the clinical significance of this alteration remains unclear.